The following is an entry in ClinVar:

ClinVar aggregate classification (germline): Uncertain significance (1 of 4 stars; one submission).

Conditions:
Inborn genetic diseases. Identifiers: MedGen C0950123, MeSH D030342.

Submission:

Ambry Genetics
Classification: Uncertain significance for Inborn genetic diseases. Last evaluated: 2026-06-15. Review status: criteria provided, single submitter. Criteria: Ambry Variant Classification Scheme 2023. Collection method: clinical testing. Allele origin: germline.
Comment: The p.C1252S variant (also known as c.3755G>C), located in coding exon 27 of the LTBP3 gene, results from a G to C substitution at nucleotide position 3755. The cysteine at codon 1252 is replaced by serine, an amino acid with dissimilar properties. This amino acid position is conserved. In addition, this alteration is predicted to be deleterious by in silico analysis. Based on the available evidence, the clinical significance of this variant remains unclear.

NM_001130144.3(LTBP3):c.3755G>C (p.Cys1252Ser)

Gene: LTBP3 (latent transforming growth factor beta binding protein 3; minus strand). Cytogenetic location: 11q13.1.
Variant type: single nucleotide variant.
Coding change: c.3755G>C on transcript NM_001130144.3 (MANE Select); coding-DNA position 3755, G replaced by C.
Protein change: p.Cys1252Ser; replaces cysteine 1252 with serine.
Molecular consequence: missense variant.
Genome position (GRCh38, 1-based): chr11:65,539,333, C>G on the plus strand (G>C on the coding strand, the complement: LTBP3 is on the minus strand). VCF-style: chr11-65539333-C-G. GRCh37 (hg19) VCF-style: chr11-65306804-C-G.
Other names: c.3263G>C, p.Cys1088Ser (NM_001164266.1); c.3614G>C, p.Cys1205Ser (NM_021070.4); short protein forms C1205S, C1252S, C1088S.
Identifiers: ClinVar variation 5023700 (VCV005023700.1).
Genomic context (GRCh38, chr11:65,539,333, plus strand): 5'-GGCGGCTCCTCACCACCGGCCCCGCCCCTGCCCCCACCCCCGAAGCCCGGCTCACCCACG[C>G]AGCGGGCGCGGGAGGCGTCGAGCTGGAAGCCGCCGGGACACTCGCACACGGCGCCGCCCG-3'
Protein context (NP_001123616.1, residues 1242-1262): GFQLDASRAR[Cys1252Ser]VDIDECRELN